The following is an entry in ClinVar:

ClinVar aggregate classification (germline): Uncertain significance. Review status: criteria provided, multiple submitters, no conflicts (2 of 4 stars). 2 submissions from 2 submitters: Uncertain significance (2). Last evaluated 2026-01-31.

Conditions:
Hereditary cancer-predisposing syndrome. Also called: Neoplastic Syndromes, Hereditary; Tumor predisposition; Hereditary Cancer Syndrome; Hereditary neoplastic syndrome. Identifiers: Orphanet 140162, MedGen C0027672, MeSH D009386, MONDO:0015356.
Gastrointestinal stromal tumor. Also called: Gastrointestinal stromal tumor, somatic; Gastrointestinal stroma tumor. Identifiers: Orphanet 44890, MedGen C0238198, MeSH D046152, MONDO:0011719, OMIM 606764, HP:0100723.

gnomAD v4.1: 10 of 1,606,576 alleles (0.00062%); highest among the groups gnomAD compares: Non-Finnish European, 0.00085%; no homozygotes.

Submissions (2):

Labcorp Genetics (formerly Invitae), Labcorp
Classification: Uncertain significance for Gastrointestinal stromal tumor. Last evaluated: 2026-01-31. Review status: criteria provided, single submitter. Criteria: Invitae Variant Classification Sherloc (09022015). Collection method: clinical testing. Allele origin: germline.
Comment: This sequence change replaces tyrosine, which is neutral and polar, with cysteine, which is neutral and slightly polar, at codon 900 of the KIT protein (p.Tyr900Cys). This variant is not present in population databases (gnomAD no frequency). This variant has not been reported in the literature in individuals affected with KIT-related conditions. ClinVar contains an entry for this variant (Variation ID: 664192). An algorithm developed to predict the effect of missense changes on protein structure and function (PolyPhen-2) suggests that this variant is likely to be disruptive. In summary, the available evidence is currently insufficient to determine the role of this variant in disease. Therefore, it has been classified as a Variant of Uncertain Significance.

Ambry Genetics
Classification: Uncertain significance for Hereditary cancer-predisposing syndrome. Last evaluated: 2025-01-31. Review status: criteria provided, single submitter. Criteria: Ambry Variant Classification Scheme 2023. Collection method: clinical testing. Allele origin: germline.
Comment: The p.Y900C variant (also known as c.2699A>G), located in coding exon 20 of the KIT gene, results from an A to G substitution at nucleotide position 2699. The tyrosine at codon 900 is replaced by cysteine, an amino acid with highly dissimilar properties. This amino acid position is highly conserved in available vertebrate species. In addition, this alteration is predicted to be deleterious by in silico analysis. Based on the available evidence, the clinical significance of this variant remains unclear.

NM_000222.3(KIT):c.2699A>G (p.Tyr900Cys)

Gene: KIT (KIT proto-oncogene, receptor tyrosine kinase; plus strand). Cytogenetic location: 4q12.
Variant type: single nucleotide variant.
Coding change: c.2699A>G on transcript NM_000222.3 (MANE Select); coding-DNA position 2699, A replaced by G.
Protein change: p.Tyr900Cys; replaces tyrosine 900 with cysteine.
Molecular consequence: missense variant.
Genome position (GRCh38, 1-based): chr4:54,737,177, A>G. VCF-style: chr4-54737177-A-G. GRCh37 (hg19) VCF-style: chr4-55603343-A-G.
Other names: c.2687A>G, p.Tyr896Cys (NM_001093772.2, NM_001385292.1); c.2702A>G, p.Tyr901Cys (NM_001385284.1); c.2696A>G, p.Tyr899Cys (NM_001385285.1); c.2684A>G, p.Tyr895Cys (NM_001385286.1); c.2690A>G, p.Tyr897Cys (NM_001385288.1); c.2699A>G, p.Tyr900Cys (NM_001385290.1); short protein forms Y896C, Y900C, Y895C, Y897C, Y899C, Y901C.
Identifiers: ClinVar variation 664192 (VCV000664192.8), dbSNP rs1578008242, ClinGen allele CA356914173.
Genomic context (GRCh38, chr4:54,737,177, plus strand): 5'-CATTTGAAAACAAGCTGAGGGCATTGAGGAGGGATAGTAAATGGCCCTTGTCTTGCAGGT[A>G]TGACATAATGAAGACTTGCTGGGATGCAGATCCCCTAAAAAGACCAACATTCAAGCAAAT-3'
Protein context (NP_000213.1, residues 890-910): LSPEHAPAEM[Tyr900Cys]DIMKTCWDAD